The following is an entry in ClinVar:

ClinVar aggregate classification (germline): Uncertain significance (1 of 4 stars; one submission).

Conditions:
Rhabdoid tumor predisposition syndrome 2 (RTPS2). Identifiers: Orphanet 231108, Orphanet 69077, MedGen C2750074, MONDO:0013224, OMIM 613325.

Submission:

Labcorp Genetics (formerly Invitae), Labcorp
Classification: Uncertain significance for Rhabdoid tumor predisposition syndrome 2. Last evaluated: 2019-04-08. Review status: criteria provided, single submitter. Criteria: Invitae Variant Classification Sherloc (09022015). Collection method: clinical testing. Allele origin: germline.
Comment: This sequence change falls in intron 24 of the SMARCA4 gene. It does not directly change the encoded amino acid sequence of the SMARCA4 protein, but it affects a nucleotide within the consensus splice site of the intron. This variant is not present in population databases (ExAC no frequency). This variant has not been reported in the literature in individuals with SMARCA4-related conditions. Nucleotide substitutions within the consensus splice site are a relatively common cause of aberrant splicing (PMID: 17576681, 9536098). Algorithms developed to predict the effect of sequence changes on RNA splicing suggest that this variant may disrupt the consensus splice site, but this prediction has not been confirmed by published transcriptional studies. In summary, the available evidence is currently insufficient to determine the role of this variant in disease. Therefore, it has been classified as a Variant of Uncertain Significance.

Literature cited by the submitters: PubMed 17576681; PubMed 9536098.

NM_003072.5(SMARCA4):c.3383-3C>G

Gene: SMARCA4 (SWI/SNF related BAF chromatin remodeling complex subunit ATPase 4; plus strand). Cytogenetic location: 19p13.2.
Variant type: single nucleotide variant.
Coding change: c.3383-3C>G on transcript NM_003072.5 (MANE Select); 3 bases into the intron before coding-DNA position 3383, C replaced by G.
Molecular consequence: intron variant.
Genome position (GRCh38, 1-based): chr19:11,030,727, C>G. VCF-style: chr19-11030727-C-G. GRCh37 (hg19) VCF-style: chr19-11141403-C-G.
Other names: c.3383-3C>G (NM_001128844.3, NM_001128849.3, NM_001128847.4 and 4 more transcripts).
Identifiers: ClinVar variation 856192 (VCV000856192.9), dbSNP rs371558035, ClinGen allele CA916083662.